The following is an entry in ClinVar:

NM_001256789.3(CACNA1F):c.1490+3G>A

Gene: CACNA1F (calcium voltage-gated channel subunit alpha1 F; minus strand). Cytogenetic location: Xp11.23.
Variant type: single nucleotide variant.
Coding change: c.1490+3G>A on transcript NM_001256789.3 (MANE Select); 3 bases into the intron after coding-DNA position 1490, G replaced by A.
Molecular consequence: intron variant.
Genome position (GRCh38, 1-based): chrX:49,226,214, C>T on the plus strand (G>A on the coding strand, the complement: CACNA1F is on the minus strand). VCF-style: chrX-49226214-C-T. GRCh37 (hg19) VCF-style: chrX-49082676-C-T.
Other names: c.1523+3G>A (NM_005183.4); c.1328+3G>A (NM_001256790.3).
Identifiers: ClinVar variation 1510076 (VCV001510076.6), dbSNP rs2147918602, ClinGen allele CA2573159002.

ClinVar aggregate classification (germline): Uncertain significance (1 of 4 stars; one submission).

Submission:

Labcorp Genetics (formerly Invitae), Labcorp
Classification: Uncertain significance. Last evaluated: 2020-12-21. Review status: criteria provided, single submitter. Criteria: Invitae Variant Classification Sherloc (09022015). Collection method: clinical testing. Allele origin: germline.
Comment: This sequence change falls in intron 12 of the CACNA1F gene. It does not directly change the encoded amino acid sequence of the CACNA1F protein. It affects a nucleotide within the consensus splice site of the intron. This variant is not present in population databases (ExAC no frequency). This variant has not been reported in the literature in individuals with CACNA1F-related conditions. Nucleotide substitutions within the consensus splice site are a relatively common cause of aberrant splicing (PMID: 17576681, 9536098). Algorithms developed to predict the effect of sequence changes on RNA splicing suggest that this variant is not likely to affect RNA splicing, but this prediction has not been confirmed by published transcriptional studies. In summary, the available evidence is currently insufficient to determine the role of this variant in disease. Therefore, it has been classified as a Variant of Uncertain Significance.

Literature cited by the submitters: PubMed 17576681; PubMed 9536098.